The following is an entry in ClinVar:

NM_033409.4(SLC52A3):c.408C>G (p.Tyr136Ter)

Gene: SLC52A3 (solute carrier family 52 member 3; minus strand). Cytogenetic location: 20p13.
Variant type: single nucleotide variant.
Coding change: c.408C>G on transcript NM_033409.4 (MANE Select); coding-DNA position 408, C replaced by G.
Protein change: p.Tyr136Ter; replaces tyrosine 136 with a stop codon.
Molecular consequence: nonsense.
Genome position (GRCh38, 1-based): chr20:765,367, G>C on the plus strand (C>G on the coding strand, the complement: SLC52A3 is on the minus strand). VCF-style: chr20-765367-G-C. GRCh37 (hg19) VCF-style: chr20-746011-G-C.
Other names: c.408C>G, p.Tyr136Ter (NM_001370085.1, NM_001370086.1); short protein forms Y136*.
Identifiers: ClinVar variation 2154127 (VCV002154127.4), dbSNP rs769740240, ClinGen allele CA310679163.

ClinVar aggregate classification (germline): Pathogenic (1 of 4 stars; one submission).

Conditions:
Brown-Vialetto-van Laere syndrome 1. Also called: BROWN-VIALETTO-VAN LAERE SYNDROME 1, MILD; BULBAR PALSY, PROGRESSIVE, WITH SENSORINEURAL DEAFNESS; PONTOBULBAR PALSY WITH DEAFNESS. Identifiers: Orphanet 572550, Orphanet 97229, MedGen C0796274, MONDO:0024537, OMIM 211530.

Submission:

Labcorp Genetics (formerly Invitae), Labcorp
Classification: Pathogenic for Brown-Vialetto-van Laere syndrome 1. Last evaluated: 2022-09-10. Review status: criteria provided, single submitter. Criteria: Invitae Variant Classification Sherloc (09022015). Collection method: clinical testing. Allele origin: germline.
Comment: This sequence change creates a premature translational stop signal (p.Tyr136*) in the SLC52A3 gene. It is expected to result in an absent or disrupted protein product. Loss-of-function variants in SLC52A3 are known to be pathogenic (PMID: 20206331, 22824638, 25462087). This variant is not present in population databases (gnomAD no frequency). This variant has not been reported in the literature in individuals affected with SLC52A3-related conditions. For these reasons, this variant has been classified as Pathogenic.

Literature cited by the submitters: PubMed 20206331; PubMed 22824638; PubMed 25462087.